The following is an entry in ClinVar:

ClinVar aggregate classification (germline): Likely benign. Review status: criteria provided, single submitter (1 of 4 stars). 2 submissions from 2 submitters: Likely benign (1). 1 of the submissions does not count toward it. Last evaluated 2024-02-06.

Conditions:
MYO5B-related disorder. Also called: MYO5B-related condition.

Allele frequency attached by ClinVar (database versions not stated): ExAC 0.00002; gnomAD exomes 0.00002; gnomAD 0.00003 and 0.00004.
gnomAD v4.1: 36 of 1,613,856 alleles (0.0022%); highest among the groups gnomAD compares: East Asian, 0.0067%; no homozygotes.

Submissions (2):

Labcorp Genetics (formerly Invitae), Labcorp
Classification: Likely benign. Last evaluated: 2024-02-06. Review status: criteria provided, single submitter. Criteria: Invitae Variant Classification Sherloc (09022015). Collection method: clinical testing. Allele origin: germline.

PreventionGenetics, part of Exact Sciences
Classification: Likely benign for MYO5B-related condition. Last evaluated: 2023-05-16. Review status: no assertion criteria provided. Collection method: clinical testing. Allele origin: germline. Not counted in ClinVar's aggregate classification.
Comment: This variant is classified as likely benign based on ACMG/AMP sequence variant interpretation guidelines (Richards et al. 2015 PMID: 25741868, with internal and published modifications).

NM_001080467.3(MYO5B):c.5514G>A (p.Ala1838=)

Genes: MYO5B (myosin VB; minus strand), SNHG22 (small nucleolar RNA host gene 22; plus strand). Cytogenetic location: 18q21.1.
Variant type: single nucleotide variant.
Coding change: c.5514G>A on transcript NM_001080467.3 (MANE Select); coding-DNA position 5514, G replaced by A.
Protein change: p.Ala1838=; no amino-acid change (alanine 1838 retained).
Molecular consequence: synonymous variant.
Genome position (GRCh38, 1-based): chr18:49,826,504, C>T on the plus strand (G>A on the coding strand, the complement: MYO5B is on the minus strand). VCF-style: chr18-49826504-C-T. GRCh37 (hg19) VCF-style: chr18-47352874-C-T.
Other names: c.5514G>A (NM_001080467.2).
Identifiers: ClinVar variation 1653875 (VCV001653875.10), dbSNP rs1058541, ClinGen allele CA8960018.